The following is an entry in ClinVar:

NM_014159.7(SETD2):c.1291G>C (p.Asp431His)

Gene: SETD2 (SET domain containing 2, histone lysine methyltransferase; minus strand). Cytogenetic location: 3p21.31.
Variant type: single nucleotide variant.
Coding change: c.1291G>C on transcript NM_014159.7 (MANE Select); coding-DNA position 1291, G replaced by C.
Protein change: p.Asp431His; replaces aspartic acid 431 with histidine.
Molecular consequence: missense variant. On other transcripts: non-coding transcript variant (1).
Genome position (GRCh38, 1-based): chr3:47,123,345, C>G on the plus strand (G>C on the coding strand, the complement: SETD2 is on the minus strand). VCF-style: chr3-47123345-C-G. GRCh37 (hg19) VCF-style: chr3-47164835-C-G.
Other names: c.1159G>C, p.Asp387His (NM_001349370.3); short protein forms D387H, D431H.
Identifiers: ClinVar variation 5020357 (VCV005020357.1).

ClinVar aggregate classification (germline): Uncertain significance (1 of 4 stars; one submission).

Submission:

Dasa
Classification: Uncertain significance. Last evaluated: 2026-06-16. Review status: criteria provided, single submitter. Criteria: DASA Assertion Criteria. Collection method: clinical testing. Allele origin: germline.
Comment: NM_014159.7(SETD2):c.1291G>C (p.Asp431His) is a missense variant that results in the substitution of aspartic acid with histidine. This variant is rare in population databases. The currently available literature and clinical evidence are not sufficient to establish a definitive association between this variant and the reported condition. Therefore, this variant is classified as a variant of uncertain significance.